The following is an entry in ClinVar:

NM_001042492.3(NF1):c.58_60dup (p.Gln20_Leu21insGln)

Genes: MIR4733HG (MIR4733 host gene; minus strand), NF1 (neurofibromin 1; plus strand), LOC111811965 (NF1 (neurofibromin 1) promoter region; plus strand). Cytogenetic location: 17q11.2.
Variant type: Duplication.
Coding change: c.58_60dup on transcript NM_001042492.3 (MANE Select); coding-DNA positions 58 to 60, 3 bases duplicated (CAG; older notation c.58_60dupCAG).
Protein change: p.Gln20_Leu21insGln.
Molecular consequence: inframe insertion. On other transcripts: inframe indel (1), non-coding transcript variant (1).
Genome position (GRCh38, 1-based): chr17:31,095,367-31,095,369, CAG duplicated; duplicating any 3 consecutive bases within chr17:31,095,365-31,095,369 gives the same sequence; the c. name uses the placement nearest the transcript's 3' end. VCF-style (leftmost placement, unchanged base first): chr17-31095364-G-GAGC. GRCh37 (hg19) VCF-style: chr17-29422382-G-GAGC.
Other names: c.58_60dup, p.Gln20_Leu21insGln (NM_001128147.3, NM_000267.4).
Identifiers: ClinVar variation 939095 (VCV000939095.7), dbSNP rs1911558884, ClinGen allele CA1139665300.

ClinVar aggregate classification (germline): Uncertain significance (1 of 4 stars; one submission).

Conditions:
Neurofibromatosis, type 1 (NF1). Also called: Peripheral type neurofibromatosis; VON RECKLINGHAUSEN DISEASE; Neurofibromatosis, type I; NEUROFIBROMATOSIS, TYPE I, SOMATIC. Identifiers: Orphanet 636, MedGen C0027831, MONDO:0018975, OMIM 162200. Disease mechanism: loss of function.

Submission:

Labcorp Genetics (formerly Invitae), Labcorp
Classification: Uncertain significance for Neurofibromatosis, type 1. Last evaluated: 2019-09-21. Review status: criteria provided, single submitter. Criteria: Invitae Variant Classification Sherloc (09022015). Collection method: clinical testing. Allele origin: germline.
Comment: In summary, the available evidence is currently insufficient to determine the role of this variant in disease. Therefore, it has been classified as a Variant of Uncertain Significance. Algorithms developed to predict the effect of sequence changes on RNA splicing suggest that this variant may create or strengthen a splice site, but this prediction has not been confirmed by published transcriptional studies. Experimental studies and prediction algorithms are not available or were not evaluated for this variant, and the functional significance of this variant is currently unknown. The frequency data for this variant in the population databases is considered unreliable, as metrics indicate insufficient coverage at this position in the ExAC database. This variant, c.58_60dup, results in the insertion of 1 amino acid(s) to the NF1 protein (p.Gln20dup), but otherwise preserves the integrity of the reading frame.